The following is an entry in ClinVar:

ClinVar aggregate classification (germline): Uncertain significance (1 of 4 stars; one submission).

Conditions:
Inborn genetic diseases. Identifiers: MedGen C0950123, MeSH D030342.

Submission:

Ambry Genetics
Classification: Uncertain significance for Inborn genetic diseases. Last evaluated: 2025-12-29. Review status: criteria provided, single submitter. Criteria: Ambry Variant Classification Scheme 2023. Collection method: clinical testing. Allele origin: germline.
Comment: The p.L1118P variant (also known as c.3353T>C), located in coding exon 13 of the ASXL1 gene, results from a T to C substitution at nucleotide position 3353. The leucine at codon 1118 is replaced by proline, an amino acid with similar properties. This amino acid position is conserved. In addition, the in silico prediction for this alteration is inconclusive. Based on the available evidence, the clinical significance of this variant remains unclear.

NM_015338.6(ASXL1):c.3353T>C (p.Leu1118Pro)

Gene: ASXL1 (ASXL transcriptional regulator 1; plus strand). Cytogenetic location: 20q11.21.
Variant type: single nucleotide variant.
Coding change: c.3353T>C on transcript NM_015338.6 (MANE Select); coding-DNA position 3353, T replaced by C.
Protein change: p.Leu1118Pro; replaces leucine 1118 with proline.
Molecular consequence: missense variant.
Genome position (GRCh38, 1-based): chr20:32,436,065, T>C. VCF-style: chr20-32436065-T-C. GRCh37 (hg19) VCF-style: chr20-31023868-T-C.
Other names: c.3170T>C, p.Leu1057Pro (NM_001363734.1); short protein forms L1057P, L1118P.
Identifiers: ClinVar variation 4843654 (VCV004843654.1).